The following is an entry in ClinVar:

ClinVar aggregate classification (germline): Uncertain significance (1 of 4 stars; one submission).

Conditions:
Developmental delay with or without intellectual impairment or behavioral abnormalities. Identifiers: MedGen C5562004, MONDO:0859199, OMIM 619575.

gnomAD v4.1: 1 of 1,585,958 alleles (0.000063%); highest among the groups gnomAD compares: Admixed American, 0.0018%; no homozygotes.

Submission:

3billion
Classification: Uncertain significance for Developmental delay with or without intellectual impairment or behavioral abnormalities. Last evaluated: 2025-05-28. Review status: criteria provided, single submitter. Criteria: ACMG Guidelines, 2015. Collection method: clinical testing. Allele origin: germline. Affected: yes.
Comment: The variant is observed at an extremely low frequency in the gnomAD v4.1.0 dataset (total allele frequency: <0.001%). Predicted Consequence/Location: Intron variant In silico tools predict the variant to alter splicing and produce an abnormal transcript [SpliceAI: 0.21 (>=0.2, moderate evidence for spliceogenicity)]. Therefore, this variant is classified as VUS according to the recommendation of ACMG/AMP guideline.

NM_020791.4(TAOK1):c.353-5T>C

Gene: TAOK1 (TAO kinase 1; plus strand). Cytogenetic location: 17q11.2.
Variant type: single nucleotide variant.
Coding change: c.353-5T>C on transcript NM_020791.4 (MANE Select); 5 bases into the intron before coding-DNA position 353, T replaced by C.
Molecular consequence: intron variant.
Genome position (GRCh38, 1-based): chr17:29,478,246, T>C. VCF-style: chr17-29478246-T-C. GRCh37 (hg19) VCF-style: chr17-27805264-T-C.
Other names: c.353-5T>C (NM_025142.1).
Identifiers: ClinVar variation 4855048 (VCV004855048.1).
Genomic context (GRCh38, chr17:29,478,246, plus strand): 5'-TATTAGATATGTATTTTTTTAACAAAAATGTTCTGTGTATTAATTATTTTGAAATAAATT[T>C]TAAGTTCACAAAAAGCCATTACAAGAAGTGGAAATAGCAGCAATTACACATGGTGCTCTT-3'